The following is an entry in ClinVar:

NM_001429.4(EP300):c.808C>G (p.Leu270Val)

Gene: EP300 (E1A binding protein p300; plus strand). Cytogenetic location: 22q13.2.
Variant type: single nucleotide variant.
Coding change: c.808C>G on transcript NM_001429.4 (MANE Select); coding-DNA position 808, C replaced by G.
Protein change: p.Leu270Val; replaces leucine 270 with valine.
Molecular consequence: missense variant.
Genome position (GRCh38, 1-based): chr22:41,125,942, C>G. VCF-style: chr22-41125942-C-G. GRCh37 (hg19) VCF-style: chr22-41521946-C-G.
Other names: c.808C>G, p.Leu270Val (NM_001362843.2); short protein forms L270V.
Identifiers: ClinVar variation 2507331 (VCV002507331.1), dbSNP rs550476180, ClinGen allele CA411683302.
Genomic context (GRCh38, chr22:41,125,942, plus strand): 5'-CCCAATCCTTATGGTTCACCATATACTCAGAATCCTGGACAGCAGATTGGAGCCAGTGGC[C>G]TTGGTCTCCAGATTCAGACAAAAACTGTACTATCAAATAACTTATCTCCATTTGCTATGG-3'
Protein context (NP_001420.2, residues 260-280): NPGQQIGASG[Leu270Val]GLQIQTKTVL

ClinVar aggregate classification (germline): Uncertain significance (1 of 4 stars; one submission).

Submission:

GeneDx
Classification: Uncertain significance. Last evaluated: 2022-12-30. Review status: criteria provided, single submitter. Criteria: GeneDx Variant Classification Process June 2021. Collection method: clinical testing. Allele origin: germline. Affected: yes.
Comment: Not observed at significant frequency in large population cohorts (gnomAD); In silico analysis supports that this missense variant does not alter protein structure/function; Has not been previously published as pathogenic or benign to our knowledge